The following is an entry in ClinVar:

NM_002471.4(MYH6):c.1606G>T (p.Glu536Ter)

Gene: MYH6 (myosin heavy chain 6; minus strand). Cytogenetic location: 14q11.2.
Variant type: single nucleotide variant.
Coding change: c.1606G>T on transcript NM_002471.4 (MANE Select); coding-DNA position 1606, G replaced by T.
Protein change: p.Glu536Ter; replaces glutamic acid 536 with a stop codon.
Molecular consequence: nonsense.
Genome position (GRCh38, 1-based): chr14:23,399,013, C>A on the plus strand (G>T on the coding strand, the complement: MYH6 is on the minus strand). VCF-style: chr14-23399013-C-A. GRCh37 (hg19) VCF-style: chr14-23868222-C-A.
Other names: short protein forms E536*.
Identifiers: ClinVar variation 5025130 (VCV005025130.1).
Genomic context (GRCh38, chr14:23,399,013, plus strand): 5'-TGTCGTACAGCTTGGCCTTGAAGGTCATGTCAGTGGCCTTGGGGAACATGCACTCCTCCT[C>A]CAGGATGGACATGATGCCCATGGGCTGAGGGCAGGGTGAAGAGGCAAAGAGAGAATCACT-3'

ClinVar aggregate classification (germline): Uncertain significance (1 of 4 stars; one submission).

Conditions:
Cardiovascular phenotype. Identifiers: MedGen CN230736.

Submission:

Ambry Genetics
Classification: Uncertain significance for Cardiovascular phenotype. Last evaluated: 2026-07-31. Review status: criteria provided, single submitter. Criteria: Ambry Variant Classification Scheme 2023. Collection method: clinical testing. Allele origin: germline.
Comment: The p.E536* variant (also known as c.1606G>T), located in coding exon 13 of the MYH6 gene, results from a G to T substitution at nucleotide position 1606. This changes the amino acid from a glutamic acid to a stop codon within coding exon 13. Loss-of-function variants are expected to result in loss of function by premature protein truncation or nonsense-mediated mRNA decay. However, loss of function has not been established as a mechanism of disease. In addition, in silico splice site analysis predicts that this alteration will result in the creation or strengthening of a novel splice acceptor site. The exact functional effect of this variant is unknown. Based on the available evidence, the clinical significance of this variant remains unclear.